The following is an entry in ClinVar:

NM_000264.5(PTCH1):c.3745G>C (p.Gly1249Arg)

Gene: PTCH1 (patched 1; minus strand). Cytogenetic location: 9q22.32.
Variant type: single nucleotide variant.
Coding change: c.3745G>C on transcript NM_000264.5 (MANE Select); coding-DNA position 3745, G replaced by C.
Protein change: p.Gly1249Arg; replaces glycine 1249 with arginine.
Molecular consequence: missense variant. On other transcripts: non-coding transcript variant (1).
Genome position (GRCh38, 1-based): chr9:95,449,128, C>G on the plus strand (G>C on the coding strand, the complement: PTCH1 is on the minus strand). VCF-style: chr9-95449128-C-G. GRCh37 (hg19) VCF-style: chr9-98211410-C-G.
Other names: c.3547G>C, p.Gly1183Arg (NM_001083602.3); c.3742G>C, p.Gly1248Arg (NM_001083603.3); c.3292G>C, p.Gly1098Arg (NM_001083604.3, NM_001083605.3, NM_001083606.3 and 1 more transcripts); c.3589G>C, p.Gly1197Arg (NM_001354918.2); short protein forms G1098R, G1197R, G1183R, G1248R, G1249R.
Identifiers: ClinVar variation 857817 (VCV000857817.37), dbSNP rs769446796, ClinGen allele CA5138072.

ClinVar aggregate classification (germline): Conflicting classifications of pathogenicity. Review status: criteria provided, conflicting classifications (1 of 4 stars). 3 submissions from 3 submitters: Uncertain significance (2); Likely benign (1). Last evaluated 2025-06-27.

Conditions:
Hereditary cancer-predisposing syndrome. Also called: Hereditary Cancer Syndrome; Neoplastic Syndromes, Hereditary; Tumor predisposition; Hereditary neoplastic syndrome. Identifiers: Orphanet 140162, MedGen C0027672, MeSH D009386, MONDO:0015356.
Gorlin syndrome. Also called: Basal cell nevus syndrome; Nevoid Basal Cell Carcinoma Syndrome. Identifiers: Orphanet 377, MedGen C0004779, MONDO:0007187.

Allele frequency attached by ClinVar (database versions not stated): gnomAD exomes below 0.00001; ExAC 0.00001.
gnomAD v4.1: 1 of 1,614,184 alleles (0.000062%); highest among the groups gnomAD compares: Non-Finnish European, 0.000085%; no homozygotes.

Submissions (3):

Ambry Genetics
Classification: Uncertain significance for Hereditary cancer-predisposing syndrome. Last evaluated: 2025-06-27. Review status: criteria provided, single submitter. Criteria: Ambry Variant Classification Scheme 2023. Collection method: clinical testing. Allele origin: germline.
Comment: The p.G1249R variant (also known as c.3745G>C), located in coding exon 22 of the PTCH1 gene, results from a G to C substitution at nucleotide position 3745. The glycine at codon 1249 is replaced by arginine, an amino acid with dissimilar properties. This amino acid position is not well conserved in available vertebrate species. In addition, this alteration is predicted to be tolerated by in silico analysis. Based on the available evidence, the clinical significance of this variant remains unclear.

Labcorp Genetics (formerly Invitae), Labcorp
Classification: Likely benign for Gorlin syndrome. Last evaluated: 2025-05-08. Review status: criteria provided, single submitter. Criteria: Invitae Variant Classification Sherloc (09022015). Collection method: clinical testing. Allele origin: germline.

CeGaT Center for Human Genetics Tuebingen
Classification: Uncertain significance. Last evaluated: 2023-07-01. Review status: criteria provided, single submitter. Criteria: CeGaT Center For Human Genetics Tuebingen Variant Classification Criteria Version 2. Collection method: clinical testing. Allele origin: germline. Affected: yes. Observed: 1 variant allele.
Comment: PTCH1: PM2, BP4